The following is an entry in ClinVar:

NM_024642.5(GALNT12):c.264C>G (p.Gly88=)

Gene: GALNT12 (polypeptide N-acetylgalactosaminyltransferase 12; plus strand). Cytogenetic location: 9q22.33.
Variant type: single nucleotide variant.
Coding change: c.264C>G on transcript NM_024642.5 (MANE Select); coding-DNA position 264, C replaced by G.
Protein change: p.Gly88=; no amino-acid change (glycine 88 retained).
Molecular consequence: synonymous variant.
Genome position (GRCh38, 1-based): chr9:98,807,962, C>G. VCF-style: chr9-98807962-C-G. GRCh37 (hg19) VCF-style: chr9-101570244-C-G.
Identifiers: ClinVar variation 4876201 (VCV004876201.1).

ClinVar aggregate classification (germline): Benign (1 of 4 stars; one submission).

Conditions:
Colorectal cancer, susceptibility to, 1. Also called: COLORECTAL ADENOMA AND CANCER, SUSCEPTIBILITY TO; COLORECTAL CANCER, SUSCEPTIBILITY TO, ON CHROMOSOME 9. Identifiers: MedGen C1837315, MONDO:0012132, OMIM 608812.

Submission:

Myriad Genetics, Inc.
Classification: Benign for Colorectal cancer, susceptibility to, 1. Last evaluated: 2026-04-23. Review status: criteria provided, single submitter. Criteria: Myriad Autosomal Dominant, Autosomal Recessive and X-Linked Classification Criteria (2023). Collection method: clinical testing. Allele origin: unknown.
Comment: This variant is considered benign. This variant is a silent/synonymous amino acid change and it is not expected to impact splicing.